The following is an entry in ClinVar:

ClinVar aggregate classification (germline): Pathogenic. Review status: criteria provided, multiple submitters, no conflicts (2 of 4 stars). 3 submissions from 3 submitters: Pathogenic (3). Last evaluated 2025-07-13.

Conditions:
CYP4V2-related disorder. Also called: CYP4V2-related condition; CYP4V2-related disorders.
Bietti crystalline corneoretinal dystrophy (BCD). Also called: BIETTI TAPETORETINAL DEGENERATION WITH MARGINAL CORNEAL DYSTROPHY; Bietti Crystalline Dystrophy. Identifiers: Orphanet 41751, MedGen C1859486, MONDO:0008865, OMIM 210370.

Allele frequency attached by ClinVar (database versions not stated): gnomAD 0.00001 and 0.00002; gnomAD exomes 0.00001 and 0.00003; ExAC 0.00002; TOPMed 0.00003.
gnomAD v4.1: 27 of 1,614,068 alleles (0.0017%); highest among the groups gnomAD compares: African/African-American, 0.0053%; no homozygotes.

Submissions (3):

Labcorp Genetics (formerly Invitae), Labcorp
Classification: Pathogenic. Last evaluated: 2025-07-13. Review status: criteria provided, single submitter. Criteria: Invitae Variant Classification Sherloc (09022015). Collection method: clinical testing. Allele origin: germline.
Comment: This sequence change replaces arginine, which is basic and polar, with cysteine, which is neutral and slightly polar, at codon 390 of the CYP4V2 protein (p.Arg390Cys). This variant is present in population databases (rs776616377, gnomAD 0.007%). This missense change has been observed in individual(s) with Bietti crystalline dystrophy (PMID: 22087103, 26971461, 28051075). In at least one individual the data is consistent with being in trans (on the opposite chromosome) from a pathogenic variant. It has also been observed to segregate with disease in related individuals. ClinVar contains an entry for this variant (Variation ID: 1075096). Invitae Evidence Modeling of protein sequence and biophysical properties (such as structural, functional, and spatial information, amino acid conservation, physicochemical variation, residue mobility, and thermodynamic stability) indicates that this missense variant is expected to disrupt CYP4V2 protein function with a positive predictive value of 95%. For these reasons, this variant has been classified as Pathogenic.

Blueprint Genetics
Classification: Pathogenic for CYP4V2-related disorders. Last evaluated: 2024-11-20. Review status: criteria provided, single submitter. Criteria: ACMG Guidelines, 2015. Collection method: clinical testing. Allele origin: germline. Affected: yes. Observed: 4 variant alleles.

Juno Genomics, Hangzhou Juno Genomics, Inc
Classification: Pathogenic for Bietti crystalline corneoretinal dystrophy. Review status: criteria provided, single submitter. Criteria: ACMG Guidelines, 2015. Collection method: clinical testing. Allele origin: germline. Affected: yes.
Comment: Absent from controls (or at extremely low frequency if recessive) in Genome Aggregation Database, Exome Sequencing Project, 1000 Genomes Project, or Exome Aggregation Consortium.;Novel missense change at an amino acid residue where a different missense change determined to be pathogenic has been seen before.;Multiple lines of computational evidence support a deleterious effect on the gene or gene product (conservation, evolutionary, splicing impact, etc).;For recessive disorders, detected in trans with a pathogenic variant.

Literature cited by the submitters: PubMed 22087103 (cited by Labcorp Genetics (formerly Invitae), Labcorp); PubMed 26971461 (cited by Labcorp Genetics (formerly Invitae), Labcorp); PubMed 28051075 (cited by Labcorp Genetics (formerly Invitae), Labcorp).

NM_207352.4(CYP4V2):c.1168C>T (p.Arg390Cys)

Gene: CYP4V2 (cytochrome P450 family 4 subfamily V member 2; plus strand). Cytogenetic location: 4q35.2.
Variant type: single nucleotide variant.
Coding change: c.1168C>T on transcript NM_207352.4 (MANE Select); coding-DNA position 1168, C replaced by T.
Protein change: p.Arg390Cys; replaces arginine 390 with cysteine.
Molecular consequence: missense variant.
Genome position (GRCh38, 1-based): chr4:186,208,942, C>T. VCF-style: chr4-186208942-C-T. GRCh37 (hg19) VCF-style: chr4-187130096-C-T.
Other names: short protein forms R390C.
Identifiers: ClinVar variation 1075096 (VCV001075096.10), dbSNP rs776616377, ClinGen allele CA3162776.